The following is an entry in ClinVar:

ClinVar aggregate classification (germline): Uncertain significance (1 of 4 stars; one submission).

Conditions:
Coenzyme Q10 deficiency, primary, 1. Also called: UBIQUINONE DEFICIENCY 1; COENZYME Q DEFICIENCY 1; CoQ DEFICIENCY 1. Identifiers: Orphanet 255249, MedGen C3551954, MONDO:0011829, OMIM 607426.

Submission:

Baylor Genetics
Classification: Uncertain significance for Coenzyme Q10 deficiency, primary, 1. Last evaluated: 2020-02-06. Review status: criteria provided, single submitter. Criteria: ACMG Guidelines, 2015. Collection method: clinical testing. Allele origin: unknown. Affected: yes.
Comment: This variant was determined to be of uncertain significance according to ACMG Guidelines, 2015 [PMID:25741868].

NM_015697.9(COQ2):c.97C>T (p.His33Tyr)

Genes: COQ2 (coenzyme Q2, polyprenyltransferase; minus strand), LOC112997540 (Sharpr-MPRA regulatory region 13773; plus strand). Cytogenetic location: 4q21.23.
Variant type: single nucleotide variant.
Coding change: c.97C>T on transcript NM_015697.9; coding-DNA position 97, C replaced by T.
Protein change: p.His33Tyr; replaces histidine 33 with tyrosine.
Molecular consequence: missense variant.
Genome position (GRCh38, 1-based): chr4:83,284,818, G>A on the plus strand (C>T on the coding strand, the complement: COQ2 is on the minus strand). VCF-style: chr4-83284818-G-A. GRCh37 (hg19) VCF-style: chr4-84205971-G-A.
Other names: short protein forms H33Y.
Identifiers: ClinVar variation 1027998 (VCV001027998.3), dbSNP rs1735431555, ClinGen allele CA357231363.